The following is an entry in ClinVar:

NM_205850.3(SLC24A5):c.602C>T (p.Ala201Val)

Genes: MYEF2 (myelin expression factor 2; minus strand), SLC24A5 (solute carrier family 24 member 5; plus strand). Cytogenetic location: 15q21.1.
Variant type: single nucleotide variant.
Coding change: c.602C>T on transcript NM_205850.3 (MANE Select); coding-DNA position 602, C replaced by T.
Protein change: p.Ala201Val; replaces alanine 201 with valine.
Molecular consequence: missense variant. On other transcripts: 3 prime UTR variant (2).
Genome position (GRCh38, 1-based): chr15:48,136,694, C>T. VCF-style: chr15-48136694-C-T. GRCh37 (hg19) VCF-style: chr15-48428891-C-T.
Other names: c.*6214G>A (NM_001301210.2, NM_016132.5); short protein forms A201V.
Identifiers: ClinVar variation 1954653 (VCV001954653.5), dbSNP rs1425346246, ClinGen allele CA392451163.

ClinVar aggregate classification (germline): Uncertain significance (1 of 4 stars; one submission).

Allele frequency attached by ClinVar (database versions not stated): gnomAD exomes below 0.00001; gnomAD 0.00002.
gnomAD v4.1: 5 of 1,606,428 alleles (0.00031%); highest among the groups gnomAD compares: Non-Finnish European, 0.00043%; no homozygotes.

Submission:

Labcorp Genetics (formerly Invitae), Labcorp
Classification: Uncertain significance. Last evaluated: 2024-10-26. Review status: criteria provided, single submitter. Criteria: Invitae Variant Classification Sherloc (09022015). Collection method: clinical testing. Allele origin: germline.
Comment: This sequence change replaces alanine, which is neutral and non-polar, with valine, which is neutral and non-polar, at codon 201 of the SLC24A5 protein (p.Ala201Val). This variant is present in population databases (no rsID available, gnomAD 0.02%). This variant has not been reported in the literature in individuals affected with SLC24A5-related conditions. ClinVar contains an entry for this variant (Variation ID: 1954653). Invitae Evidence Modeling of protein sequence and biophysical properties (such as structural, functional, and spatial information, amino acid conservation, physicochemical variation, residue mobility, and thermodynamic stability) indicates that this missense variant is not expected to disrupt SLC24A5 protein function with a negative predictive value of 80%. In summary, the available evidence is currently insufficient to determine the role of this variant in disease. Therefore, it has been classified as a Variant of Uncertain Significance.